The following is an entry in ClinVar:

NC_000011.9:g.(?_18418390)_(19204313_?)del

Genes: LDHAL6A (lactate dehydrogenase A like 6A; plus strand), LDHA (lactate dehydrogenase A; plus strand), CSRP3 (cysteine and glycine rich protein 3; minus strand), IGSF22 (immunoglobulin superfamily member 22; minus strand), LDHC (lactate dehydrogenase C; plus strand) and 8 more. Cytogenetic location: 11p15.1.
Variant type: Deletion.
Identifiers: ClinVar variation 2424682 (VCV002424682.5).

ClinVar aggregate classification (germline): Uncertain significance (1 of 4 stars; one submission).

Conditions:
Dilated cardiomyopathy 1M (CMD1M). Identifiers: Orphanet 154, MedGen C1843808, MONDO:0011840, OMIM 607482.
Hypertrophic cardiomyopathy 12. Identifiers: MedGen C2677491, MONDO:0012804, OMIM 612124.

Submission:

Labcorp Genetics (formerly Invitae), Labcorp
Classification: Uncertain significance for Hypertrophic cardiomyopathy 12; Dilated cardiomyopathy 1M. Last evaluated: 2022-05-01. Review status: criteria provided, single submitter. Criteria: Invitae Variant Classification Sherloc (09022015). Collection method: clinical testing. Allele origin: germline.
Comment: In summary, the available evidence is currently insufficient to determine the role of this variant in disease. Therefore, it has been classified as a Variant of Uncertain Significance. Experimental studies and prediction algorithms are not available or were not evaluated, and the functional significance of this variant is currently unknown. This variant has not been reported in the literature in individuals affected with CSRP3-related conditions. This variant is a gross deletion of the genomic region encompassing exon(s) 7 of the CSRP3 gene, which includes the termination codon. This deletion extends beyond the assayed region for this gene and therefore may encompass additional genes. While this deletion is not anticipated to lead to nonsense mediated decay, it is expected to alter mRNA translation or result in a truncated protein product.